The following is an entry in ClinVar:

ClinVar aggregate classification (germline): Conflicting classifications of pathogenicity. Review status: criteria provided, conflicting classifications (1 of 4 stars). 2 submissions from 2 submitters: Uncertain significance (1); Likely benign (1). Last evaluated 2025-09-29.

Conditions:
CODAS syndrome. Also called: CEREBRAL, OCULAR, DENTAL, AURICULAR, AND SKELETAL ANOMALIES SYNDROME. Identifiers: Orphanet 1458, MedGen C1838180, MONDO:0010879, OMIM 600373.

Allele frequency attached by ClinVar (database versions not stated): TOPMed 0.00012; gnomAD 0.00014 and 0.00015; ExAC 0.00015.
gnomAD v4.1: 183 of 1,607,880 alleles (0.011%); highest among the groups gnomAD compares: African/African-American, 0.0027%; no homozygotes.

Submissions (2):

Labcorp Genetics (formerly Invitae), Labcorp
Classification: Likely benign. Last evaluated: 2025-09-29. Review status: criteria provided, single submitter. Criteria: Invitae Variant Classification Sherloc (09022015). Collection method: clinical testing. Allele origin: germline.

New York Genome Center
Classification: Uncertain significance for CODAS syndrome. Last evaluated: 2022-08-02. Review status: criteria provided, single submitter. Criteria: NYGC Assertion Criteria 2020. Collection method: clinical testing. Allele origin: inherited. Observed: 1 homozygote. Study: CSER-NYCKidSeq.
Comment: This variant substitutes a conserved Glycine for Aspartic Acid at amino acid 99/960 (exon 1/18). This variant is found n gnomAD (57 heterozygotes, 0 homozygotes; allele frequency: 2.155e-4) and ExAC (15 heterozygotes, 0 homozygotes; allele frequency: 1.545e-4). In silico algorithms predict this variant to be Neutral (Provean; score:-0.04) and Tolerated (SIFT; score: 0.155) to the function of the canonical transcript. This variant is absent from ClinVar and to our current knowledge has not been reported in affected individuals in the literature. Given the lack of compelling information regarding the pathogenicity of the c.296G>A (p.Gly99Asp) variant it is reported here as a Variant of Uncertain Significance.

NM_004793.4(LONP1):c.296G>A (p.Gly99Asp)

Gene: LONP1 (lon peptidase 1, mitochondrial; minus strand). Cytogenetic location: 19p13.3.
Variant type: single nucleotide variant.
Coding change: c.296G>A on transcript NM_004793.4 (MANE Select); coding-DNA position 296, G replaced by A.
Protein change: p.Gly99Asp; replaces glycine 99 with aspartic acid.
Molecular consequence: missense variant. On other transcripts: intron variant (2).
Genome position (GRCh38, 1-based): chr19:5,719,837, C>T on the plus strand (G>A on the coding strand, the complement: LONP1 is on the minus strand). VCF-style: chr19-5719837-C-T. GRCh37 (hg19) VCF-style: chr19-5719848-C-T.
Other names: c.-160+382G>A (NM_001276480.1); c.125-21G>A (NM_001276479.2); short protein forms G99D.
Identifiers: ClinVar variation 722777 (VCV000722777.11), dbSNP rs747867148, ClinGen allele CA9115189.